The following is an entry in ClinVar:

NM_004304.5(ALK):c.4067G>A (p.Gly1356Glu)

Gene: ALK (ALK receptor tyrosine kinase; minus strand). Cytogenetic location: 2p23.2.
Variant type: single nucleotide variant.
Coding change: c.4067G>A on transcript NM_004304.5 (MANE Select); coding-DNA position 4067, G replaced by A.
Protein change: p.Gly1356Glu; replaces glycine 1356 with glutamic acid.
Molecular consequence: missense variant.
Genome position (GRCh38, 1-based): chr2:29,197,548, C>T on the plus strand (G>A on the coding strand, the complement: ALK is on the minus strand). VCF-style: chr2-29197548-C-T. GRCh37 (hg19) VCF-style: chr2-29420414-C-T.
Other names: c.863G>A, p.Gly288Glu (NM_001353765.2); short protein forms G1356E, G288E.
Identifiers: ClinVar variation 3223886 (VCV003223886.2), dbSNP rs2148143203, ClinGen allele CA346465787.
Genomic context (GRCh38, chr2:29,197,548, plus strand): 5'-TTGAAAAGAAAAACTGCTTAGTAACTAGCAGAAGTGTTCCTAAAAGAGTCATACACAGGC[C>T]CAGGGCAGTTCTTGGGTGGGTCCATCCGGCCTCCACTGGTGACAAACTCCAGAACTTCCT-3'
Protein context (NP_004295.2, residues 1346-1366): GRMDPPKNCP[Gly1356Glu]PVYRIMTQCW

ClinVar aggregate classification (germline): Uncertain significance. Review status: criteria provided, multiple submitters, no conflicts (2 of 4 stars). 2 submissions from 2 submitters: Uncertain significance (2). Last evaluated 2025-03-29.

Conditions:
Hereditary cancer-predisposing syndrome. Also called: Hereditary Cancer Syndrome; Tumor predisposition; Neoplastic Syndromes, Hereditary; Hereditary neoplastic syndrome. Identifiers: Orphanet 140162, MedGen C0027672, MeSH D009386, MONDO:0015356.
Neuroblastoma, susceptibility to, 3. Also called: ALK-Related Neuroblastic Tumor Susceptibility. Identifiers: Orphanet 635, MedGen C2751681, MONDO:0013083, OMIM 613014.

Allele frequency attached by ClinVar (database versions not stated): gnomAD exomes below 0.00001.
gnomAD v4.1: 1 of 1,613,462 alleles (0.000062%); highest among the groups gnomAD compares: Non-Finnish European, 0.000085%; no homozygotes.

Submissions (2):

Labcorp Genetics (formerly Invitae), Labcorp
Classification: Uncertain significance for Neuroblastoma, susceptibility to, 3. Last evaluated: 2025-03-29. Review status: criteria provided, single submitter. Criteria: Invitae Variant Classification Sherloc (09022015). Collection method: clinical testing. Allele origin: germline.
Comment: This sequence change replaces glycine, which is neutral and non-polar, with glutamic acid, which is acidic and polar, at codon 1356 of the ALK protein (p.Gly1356Glu). This variant is not present in population databases (gnomAD no frequency). This variant has not been reported in the literature in individuals affected with ALK-related conditions. ClinVar contains an entry for this variant (Variation ID: 3223886). An algorithm developed to predict the effect of missense changes on protein structure and function (PolyPhen-2) suggests that this variant is likely to be disruptive. In summary, the available evidence is currently insufficient to determine the role of this variant in disease. Therefore, it has been classified as a Variant of Uncertain Significance.

Ambry Genetics
Classification: Uncertain significance for Hereditary cancer-predisposing syndrome. Last evaluated: 2023-11-04. Review status: criteria provided, single submitter. Criteria: Ambry Variant Classification Scheme 2023. Collection method: clinical testing. Allele origin: germline.
Comment: The p.G1356E variant (also known as c.4067G>A), located in coding exon 27 of the ALK gene, results from a G to A substitution at nucleotide position 4067. The glycine at codon 1356 is replaced by glutamic acid, an amino acid with similar properties. This amino acid position is conserved. In addition, this alteration is predicted to be deleterious by in silico analysis. Since supporting evidence is limited at this time, the clinical significance of this alteration remains unclear.